The following is an entry in ClinVar:

NM_032383.5(HPS3):c.*335G>A

Genes: CP (ceruloplasmin; minus strand), HPS3 (HPS3 biogenesis of lysosomal organelles complex 2 subunit 1; plus strand). Cytogenetic location: 3q24.
Variant type: single nucleotide variant.
Coding change: c.*335G>A on transcript NM_032383.5 (MANE Select); 335 bases downstream of the stop codon, G replaced by A.
Molecular consequence: 3 prime UTR variant.
Genome position (GRCh38, 1-based): chr3:149,172,557, G>A. VCF-style: chr3-149172557-G-A. GRCh37 (hg19) VCF-style: chr3-148890344-G-A.
Other names: c.*1157C>T (NM_000096.4); c.*335G>A (NM_001308258.2).
Identifiers: ClinVar variation 343736 (VCV000343736.7), dbSNP rs11537809, ClinGen allele CA10615065.

ClinVar aggregate classification (germline): Benign/Likely benign. Review status: criteria provided, multiple submitters, no conflicts (2 of 4 stars). 2 submissions from 2 submitters: Benign (1); Likely benign (1). Last evaluated 2018-01-12.

Conditions:
Hermansky-Pudlak syndrome 3 (HPS3). Identifiers: Orphanet 231512, Orphanet 79430, MedGen C3888001, MONDO:0013555, OMIM 614072.

Allele frequency attached by ClinVar (database versions not stated): 1000 Genomes Project 30x 0.02295; 1000 Genomes Project 0.02296; gnomAD 0.02347 and 0.02399; TOPMed 0.02775; gnomAD exomes 0.03130.
gnomAD v4.1: 4,948 of 193,082 alleles (2.6%); highest among the groups gnomAD compares: Admixed American, 6.5%; 101 homozygotes.

Submissions (2):

Illumina Laboratory Services, Illumina
Classification: Benign for Hermansky-Pudlak syndrome 3. Last evaluated: 2018-01-12. Review status: criteria provided, single submitter. Criteria: ICSL Variant Classification Criteria 13 December 2019. Collection method: clinical testing. Allele origin: germline.
Comment: This variant was observed in the ICSL laboratory as part of a predisposition screen in an ostensibly healthy population. It had not been previously curated by ICSL or reported in the Human Gene Mutation Database (HGMD: prior to June 1st, 2018), and was therefore a candidate for classification through an automated scoring system. Utilizing variant allele frequency, disease prevalence and penetrance estimates, and inheritance mode, an automated score was calculated to assess if this variant is too frequent to cause the disease. Based on the score and internal cut-off values, a variant classified as benign is not then subjected to further curation. The score for this variant resulted in a classification of benign for this disease.

Breakthrough Genomics
Classification: Likely benign. Review status: criteria provided, single submitter. Criteria: ACMG Guidelines, 2015. Collection method: not provided. Allele origin: germline. Inheritance: Autosomal recessive inheritance. Affected: yes.